The following is an entry in ClinVar:

ClinVar aggregate classification (germline): Uncertain significance (1 of 4 stars; one submission).

Conditions:
NRP1-related disorder. Also called: NRP1-related condition.

gnomAD v4.1: 2 of 1,613,946 alleles (0.00012%); highest among the groups gnomAD compares: Non-Finnish European, 0.00017%; no homozygotes.

Submission:

PreventionGenetics, part of Exact Sciences
Classification: Uncertain significance for NRP1-related condition. Last evaluated: 2026-02-26. Review status: criteria provided, single submitter. Criteria: ACMG Guidelines, 2015. Collection method: clinical testing. Allele origin: germline.
Comment: The NRP1 c.920G>A variant is predicted to result in the amino acid substitution p.Arg307His. To our knowledge, this variant has not been reported in the literature or in a large population database (gnomAD), indicating this variant is rare. At this time, the clinical significance of this variant is uncertain due to the absence of conclusive functional and genetic evidence.

NM_003873.7(NRP1):c.920G>A (p.Arg307His)

Gene: NRP1 (neuropilin 1; minus strand). Cytogenetic location: 10p11.22.
Variant type: single nucleotide variant.
Coding change: c.920G>A on transcript NM_003873.7 (MANE Select); coding-DNA position 920, G replaced by A.
Protein change: p.Arg307His; replaces arginine 307 with histidine.
Molecular consequence: missense variant. On other transcripts: non-coding transcript variant (1).
Genome position (GRCh38, 1-based): chr10:33,254,089, C>T on the plus strand (G>A on the coding strand, the complement: NRP1 is on the minus strand). VCF-style: chr10-33254089-C-T. GRCh37 (hg19) VCF-style: chr10-33543017-C-T.
Other names: c.920G>A, p.Arg307His (NM_001024628.3, NM_001024629.3, NM_001244972.2 and 2 more transcripts); short protein forms R307H.
Identifiers: ClinVar variation 5000138 (VCV005000138.1).